The following is an entry in ClinVar:

NM_000146.4(FTL):c.502G>T (p.Glu168Ter)

Gene: FTL (ferritin light chain; plus strand). Cytogenetic location: 19q13.33.
Variant type: single nucleotide variant.
Coding change: c.502G>T on transcript NM_000146.4 (MANE Select); coding-DNA position 502, G replaced by T.
Protein change: p.Glu168Ter; replaces glutamic acid 168 with a stop codon.
Molecular consequence: nonsense.
Genome position (GRCh38, 1-based): chr19:48,966,709, G>T. VCF-style: chr19-48966709-G-T. GRCh37 (hg19) VCF-style: chr19-49469966-G-T.
Other names: short protein forms E168*.
Identifiers: ClinVar variation 565863 (VCV000565863.7), dbSNP rs768204975, ClinGen allele CA406757490.
Genomic context (GRCh38, chr19:48,966,709, plus strand): 5'-CACCTGACCAACCTCCACAGGCTGGGTGGCCCGGAGGCTGGGCTGGGCGAGTATCTCTTC[G>T]AAAGGCTCACTCTCAAGCACGACTAAGAGCCTTCTGAGCCCAGCGACTTCTGAAGGGCCC-3'

ClinVar aggregate classification (germline): Uncertain significance (1 of 4 stars; one submission).

Conditions:
Hereditary hyperferritinemia with congenital cataracts. Also called: HYPERFERRITINEMIA WITH OR WITHOUT CATARACT; Hereditary hyperferritinemia cataract syndrome; Bonneau-Beaumont syndrome. Identifiers: Orphanet 163, MedGen C1833213, MONDO:0010952, OMIM 600886.
Neuroferritinopathy (NBIA3). Also called: NEURODEGENERATION WITH BRAIN IRON ACCUMULATION 3; BASAL GANGLIA DISEASE, ADULT-ONSET. Identifiers: Orphanet 157846, MedGen C1853578, MONDO:0011638, OMIM 606159.

Submission:

Labcorp Genetics (formerly Invitae), Labcorp
Classification: Uncertain significance for Neuroferritinopathy; Hereditary hyperferritinemia with congenital cataracts. Last evaluated: 2018-01-10. Review status: criteria provided, single submitter. Criteria: Invitae Variant Classification Sherloc (09022015). Collection method: clinical testing. Allele origin: germline.
Comment: This sequence change results in a premature translational stop signal in the FTL gene (p.Glu168*). While this is not anticipated to result in nonsense mediated decay, it is expected to delete the last 8 amino acids of the FTL protein. This variant is not present in population databases (ExAC no frequency). This variant has not been reported in the literature in individuals with FTL-related disease. In summary, the available evidence is currently insufficient to determine the role of this variant in disease. Therefore, it has been classified as a Variant of Uncertain Significance. Experimental studies and prediction algorithms are not available for this variant, and the functional significance of the deleted amino acids is currently unknown.